The following is an entry in ClinVar:

NM_033026.6(PCLO):c.3415G>T (p.Val1139Phe)

Gene: PCLO (piccolo presynaptic cytomatrix protein; minus strand). Cytogenetic location: 7q21.11.
Variant type: single nucleotide variant.
Coding change: c.3415G>T on transcript NM_033026.6 (MANE Select); coding-DNA position 3415, G replaced by T.
Protein change: p.Val1139Phe; replaces valine 1139 with phenylalanine.
Molecular consequence: missense variant.
Genome position (GRCh38, 1-based): chr7:82,966,373, C>A on the plus strand (G>T on the coding strand, the complement: PCLO is on the minus strand). VCF-style: chr7-82966373-C-A. GRCh37 (hg19) VCF-style: chr7-82595689-C-A.
Other names: c.3415G>T, p.Val1139Phe (NM_014510.3); c.3415G>T (NM_033026.5); short protein forms V1139F.
Identifiers: ClinVar variation 502392 (VCV000502392.10), dbSNP rs370688882, ClinGen allele CA4321045.
Genomic context (GRCh38, chr7:82,966,373, plus strand): 5'-TTTTCACTAATTTTACTTGGGGAGGCACTGCTGTTTTCTGAGATGATGATTCTGTAGGAA[C>A]AGGCATAGGAGATGCTTTGGGTCCTGATGGTGCAGGTGGCATTTTGCGTATGTCTCCAAG-3'
Protein context (NP_149015.2, residues 1129-1149): PSGPKASPMP[Val1139Phe]PTESSSQKTA

ClinVar aggregate classification (germline): Uncertain significance. Review status: criteria provided, multiple submitters, no conflicts (2 of 4 stars). 3 submissions from 3 submitters: Uncertain significance (3). Last evaluated 2024-03-07.

Conditions:
Inborn genetic diseases. Identifiers: MedGen C0950123, MeSH D030342.

Allele frequency attached by ClinVar (database versions not stated): ExAC 0.00002; TOPMed 0.00006; ESP Exome Variant Server 0.00008; gnomAD exomes 0.00002; gnomAD 0.00006.
gnomAD v4.1: 89 of 1,613,762 alleles (0.0055%); highest among the groups gnomAD compares: Non-Finnish European, 0.0068%; no homozygotes.

Submissions (3):

Ambry Genetics
Classification: Uncertain significance for Inborn genetic diseases. Last evaluated: 2024-03-07. Review status: criteria provided, single submitter. Criteria: Ambry Variant Classification Scheme 2023. Collection method: clinical testing. Allele origin: germline.

Labcorp Genetics (formerly Invitae), Labcorp
Classification: Uncertain significance. Last evaluated: 2022-06-13. Review status: criteria provided, single submitter. Criteria: Invitae Variant Classification Sherloc (09022015). Collection method: clinical testing. Allele origin: germline.
Comment: This sequence change replaces valine, which is neutral and non-polar, with phenylalanine, which is neutral and non-polar, at codon 1139 of the PCLO protein (p.Val1139Phe). This variant is present in population databases (rs370688882, gnomAD 0.01%). This variant has not been reported in the literature in individuals affected with PCLO-related conditions. ClinVar contains an entry for this variant (Variation ID: 502392). Algorithms developed to predict the effect of missense changes on protein structure and function output the following: SIFT: "Deleterious"; PolyPhen-2: "Not Available"; Align-GVGD: "Class C0". The phenylalanine amino acid residue is found in multiple mammalian species, which suggests that this missense change does not adversely affect protein function. In summary, the available evidence is currently insufficient to determine the role of this variant in disease. Therefore, it has been classified as a Variant of Uncertain Significance.

Eurofins Ntd Llc (ga)
Classification: Uncertain significance. Last evaluated: 2017-06-12. Review status: criteria provided, single submitter. Criteria: EGL Classification Definitions 2015. Collection method: clinical testing. Allele origin: germline. Observed: 1 variant allele, 1 heterozygote.